The following is an entry in ClinVar:

NM_001146.5(ANGPT1):c.314T>C (p.Val105Ala)

Gene: ANGPT1 (angiopoietin 1; minus strand). Cytogenetic location: 8q23.1.
Variant type: single nucleotide variant.
Coding change: c.314T>C on transcript NM_001146.5 (MANE Select); coding-DNA position 314, T replaced by C.
Protein change: p.Val105Ala; replaces valine 105 with alanine.
Molecular consequence: missense variant.
Genome position (GRCh38, 1-based): chr8:107,347,081, A>G on the plus strand (T>C on the coding strand, the complement: ANGPT1 is on the minus strand). VCF-style: chr8-107347081-A-G. GRCh37 (hg19) VCF-style: chr8-108359309-A-G.
Other names: c.314T>C, p.Val105Ala (NM_001199859.3); short protein forms V105A.
Identifiers: ClinVar variation 2719024 (VCV002719024.3), dbSNP rs780347436, ClinGen allele CA4841393.
Genomic context (GRCh38, chr8:107,347,081, plus strand): 5'-GCCGTGTGGTTCTGAACTGCATTCTGCTGTATCTGGGCCATCTCCGACTTCATGTTTTCC[A>G]CAATGTAATTCTCAAGCTGCAAGAGATAAAGAACAAAACATATTACATTATAAGCAAGGC-3'
Protein context (NP_001137.2, residues 95-115): QWLQKLENYI[Val105Ala]ENMKSEMAQI

ClinVar aggregate classification (germline): Uncertain significance (1 of 4 stars; one submission).

Allele frequency attached by ClinVar (database versions not stated): TOPMed below 0.00001; ExAC 0.00001.
gnomAD v4.1: 7 of 1,613,272 alleles (0.00043%); highest among the groups gnomAD compares: Admixed American, 0.0067%; no homozygotes.

Submission:

Labcorp Genetics (formerly Invitae), Labcorp
Classification: Uncertain significance. Last evaluated: 2023-11-25. Review status: criteria provided, single submitter. Criteria: Invitae Variant Classification Sherloc (09022015). Collection method: clinical testing. Allele origin: germline.
Comment: This sequence change replaces valine, which is neutral and non-polar, with alanine, which is neutral and non-polar, at codon 105 of the ANGPT1 protein (p.Val105Ala). This variant is present in population databases (rs780347436, gnomAD 0.009%). This variant has not been reported in the literature in individuals affected with ANGPT1-related conditions. An algorithm developed to predict the effect of missense changes on protein structure and function (PolyPhen-2) suggests that this variant is likely to be tolerated. In summary, the available evidence is currently insufficient to determine the role of this variant in disease. Therefore, it has been classified as a Variant of Uncertain Significance.